The following is an entry in ClinVar:

ClinVar aggregate classification (germline): Conflicting classifications of pathogenicity. Review status: criteria provided, conflicting classifications (1 of 4 stars). 4 submissions from 4 submitters: Uncertain significance (2); Likely benign (2). Last evaluated 2025-11-19.

Conditions:
Hereditary cancer-predisposing syndrome. Also called: Tumor predisposition; Neoplastic Syndromes, Hereditary; Hereditary Cancer Syndrome; Hereditary neoplastic syndrome. Identifiers: Orphanet 140162, MedGen C0027672, MeSH D009386, MONDO:0015356.
Multiple endocrine neoplasia type 4. Also called: MULTIPLE ENDOCRINE NEOPLASIA, TYPE IV. Identifiers: Orphanet 276152, MedGen C1970712, MONDO:0012552, OMIM 610755.

Allele frequency attached by ClinVar (database versions not stated): TOPMed 0.00001.
gnomAD v4.1: 7 of 1,613,694 alleles (0.00043%); highest among the groups gnomAD compares: Non-Finnish European, 0.00059%; no homozygotes.

Submissions (4):

Labcorp Genetics (formerly Invitae), Labcorp
Classification: Likely benign for Multiple endocrine neoplasia type 4. Last evaluated: 2025-11-19. Review status: criteria provided, single submitter. Criteria: Invitae Variant Classification Sherloc (09022015). Collection method: clinical testing. Allele origin: germline.

GeneDx
Classification: Uncertain significance. Last evaluated: 2024-06-17. Review status: criteria provided, single submitter. Criteria: GeneDx Variant Classification Process June 2021. Collection method: clinical testing. Allele origin: germline. Affected: yes.
Comment: Not observed at significant frequency in large population cohorts (gnomAD); In silico analysis indicates that this variant does not alter splicing; Has not been previously published as pathogenic or benign to our knowledge

Sema4
Classification: Uncertain significance for Hereditary cancer-predisposing syndrome. Last evaluated: 2021-08-12. Review status: criteria provided, single submitter. Criteria: Sema4 Curation Guidelines. Collection method: curation. Allele origin: germline.
Comment: The CDKN1B c.27G>A (p.G9=) variant has not been reported in the literature to our knowledge. It was observed in 2/112888 chromosomes of the Non-Finnish European subpopulation in the large and broad cohorts of the Genome Aggregation Database (PMID: 32461654). The variant has been reported in ClinVar (Variation ID: 412883). The nucleotide is conserved and in silico tools suggest the variant may not have an impact on splicing, though these predictions have not been confirmed by functional studies. The evidence is insufficient to meet ACMG/AMP criteria for classifying the variant as benign or pathogenic. Thus, the clinical significance of this variant is currently uncertain.

Ambry Genetics
Classification: Likely benign for Hereditary cancer-predisposing syndrome. Last evaluated: 2020-07-28. Review status: criteria provided, single submitter. Criteria: Ambry Variant Classification Scheme 2023. Collection method: clinical testing. Allele origin: germline.

NM_004064.5(CDKN1B):c.27G>A (p.Gly9=)

Gene: CDKN1B (cyclin dependent kinase inhibitor 1B; plus strand). Cytogenetic location: 12p13.1.
Variant type: single nucleotide variant.
Coding change: c.27G>A on transcript NM_004064.5 (MANE Select); coding-DNA position 27, G replaced by A.
Protein change: p.Gly9=; no amino-acid change (glycine 9 retained).
Molecular consequence: synonymous variant.
Genome position (GRCh38, 1-based): chr12:12,717,866, G>A. VCF-style: chr12-12717866-G-A. GRCh37 (hg19) VCF-style: chr12-12870800-G-A.
Identifiers: ClinVar variation 412883 (VCV000412883.17), dbSNP rs1060503869, ClinGen allele CA16613525.